The following is an entry in ClinVar:

ClinVar aggregate classification (germline): Likely benign. Review status: criteria provided, multiple submitters, no conflicts (2 of 4 stars). 2 submissions from 2 submitters: Likely benign (2). Last evaluated 2018-06-19.

Allele frequency attached by ClinVar (database versions not stated): gnomAD exomes 0.00173 and 0.00315; ExAC 0.00397; gnomAD 0.01106 and 0.01189; ESP Exome Variant Server 0.01264; 1000 Genomes Project 0.01278; TOPMed 0.01310; 1000 Genomes Project 30x 0.01390.
gnomAD v4.1: 2,689 of 708,308 alleles (0.38%); highest among the groups gnomAD compares: African/African-American, 3.8%; 35 homozygotes.

Submissions (2):

GeneDx
Classification: Likely benign. Last evaluated: 2018-06-19. Review status: criteria provided, single submitter. Criteria: GeneDx Variant Classification (06012015). Collection method: clinical testing. Allele origin: germline. Affected: yes.
Comment: This variant is considered likely benign or benign based on one or more of the following criteria: it is a conservative change, it occurs at a poorly conserved position in the protein, it is predicted to be benign by multiple in silico algorithms, and/or has population frequency not consistent with disease.

Breakthrough Genomics
Classification: Likely benign. Review status: criteria provided, single submitter. Criteria: ACMG Guidelines, 2015. Collection method: not provided. Allele origin: germline. Inheritance: Autosomal recessive inheritance. Affected: yes.

NM_000070.3(CAPN3):c.380-235G>C

Genes: CAPN3 (calpain 3; plus strand), LOC126862115 (BRD4-independent group 4 enhancer GRCh37_chr15:42677734-42678933; plus strand). Cytogenetic location: 15q15.1.
Variant type: single nucleotide variant.
Coding change: c.380-235G>C on transcript NM_000070.3 (MANE Select); 235 bases into the intron before coding-DNA position 380, G replaced by C.
Molecular consequence: intron variant.
Genome position (GRCh38, 1-based): chr15:42,385,932, G>C. VCF-style: chr15-42385932-G-C. GRCh37 (hg19) VCF-style: chr15-42678130-G-C.
Other names: c.380-235G>C (NM_024344.2, NM_173087.2).
Identifiers: ClinVar variation 677713 (VCV000677713.2), dbSNP rs16973203, ClinGen allele CA7510999.
Genomic context (GRCh38, chr15:42,385,932, plus strand): 5'-CATTGAGGCCTAAAAAGGAAGTGAGTTTATACTGCAGTTGGAGGAACTGCCTGCAGCCTT[G>C]AGGAAAATGTCTAGTCACAAGGGAGTAAGTTACCTGTTGATCATATTGTCAAGGAATTCC-3'